The following is an entry in ClinVar:

NM_020163.3(SEMA3G):c.1468-4C>T

Gene: SEMA3G (semaphorin 3G; minus strand). Cytogenetic location: 3p21.1.
Variant type: single nucleotide variant.
Coding change: c.1468-4C>T on transcript NM_020163.3 (MANE Select); 4 bases into the intron before coding-DNA position 1468, C replaced by T.
Molecular consequence: intron variant.
Genome position (GRCh38, 1-based): chr3:52,438,965, G>A on the plus strand (C>T on the coding strand, the complement: SEMA3G is on the minus strand). VCF-style: chr3-52438965-G-A. GRCh37 (hg19) VCF-style: chr3-52472981-G-A.
Identifiers: ClinVar variation 3051472 (VCV003051472.2), dbSNP rs184021435, ClinGen allele CA2437919.

ClinVar aggregate classification (germline): Likely benign (0 of 4 stars; one submission).

Conditions:
SEMA3G-related disorder. Also called: SEMA3G-related condition.

Allele frequency attached by ClinVar (database versions not stated): gnomAD exomes 0.00013; ExAC 0.00044; TOPMed 0.00137; ESP Exome Variant Server 0.00138; gnomAD 0.00141; 1000 Genomes Project 0.00160; 1000 Genomes Project 30x 0.00172.
gnomAD v4.1: 413 of 1,613,302 alleles (0.026%); highest among the groups gnomAD compares: African/African-American, 0.5%; 1 homozygote.

Submission:

PreventionGenetics, part of Exact Sciences
Classification: Likely benign for SEMA3G-related condition. Last evaluated: 2021-06-16. Review status: no assertion criteria provided. Collection method: clinical testing. Allele origin: germline.
Comment: This variant is classified as likely benign based on ACMG/AMP sequence variant interpretation guidelines (Richards et al. 2015 PMID: 25741868, with internal and published modifications).